The following is an entry in ClinVar:

NM_201525.4(ADGRG1):c.860_861del (p.Arg287fs)

Gene: ADGRG1 (adhesion G protein-coupled receptor G1; plus strand). Cytogenetic location: 16q21.
Variant type: Microsatellite.
Coding change: c.860_861del on transcript NM_201525.4 (MANE Select); coding-DNA positions 860 to 861, 2 bases deleted (GA; older notation c.860_861delGA).
Protein change: p.Arg287fs; shifts the reading frame from arginine 287.
Molecular consequence: frameshift variant.
Genome position (GRCh38, 1-based): chr16:57,655,490-57,655,491, GA deleted; deleting any 2 consecutive bases within chr16:57,655,487-57,655,491 gives the same sequence; the c. name uses the placement nearest the transcript's 3' end. VCF-style (leftmost placement, unchanged base first): chr16-57655486-AAG-A. GRCh37 (hg19) VCF-style: chr16-57689398-AAG-A.
Other names: c.860_861del, p.Arg287fs (NM_001145770.3, NM_001145771.3, NM_001145772.3 and 16 more transcripts); c.875_876del, p.Arg292fs (NM_001145773.3, NM_001370433.1); c.350_351del, p.Arg117fs (NM_001290142.2); c.335_336del, p.Arg112fs (NM_001290143.2, NM_001290144.2, NM_001370451.1 and 2 more transcripts); c.704_705del, p.Arg235fs (NM_001370442.1); c.860_861del (NM_005682.6); short protein forms R112fs, R117fs, R235fs, R287fs, R292fs.
Identifiers: ClinVar variation 1075265 (VCV001075265.8), dbSNP rs778876865, ClinGen allele CA8078551.
Genomic context (GRCh38, chr16:57,655,486, plus strand): 5'-TCGGTGCTGCTGCCTCGAACACTCTTCCAGAGGACGAAAGGCCGGAGCGGGGAGGCTGAG[AAG>A]AGACTCCTCCTGGTGGACTTCAGCAGCCAAGCCCTGTTCCAGGTATGGGGTCCTCACCCT-3'

ClinVar aggregate classification (germline): Pathogenic/Likely pathogenic. Review status: criteria provided, multiple submitters, no conflicts (2 of 4 stars). 2 submissions from 2 submitters: Pathogenic (1); Likely pathogenic (1). Last evaluated 2025-06-01.

Conditions:
Bilateral frontoparietal polymicrogyria. Also called: CEREBELLAR ATAXIA WITH NEURONAL MIGRATION DEFECT; CORTICAL DYSPLASIA, COMPLEX, WITH OTHER BRAIN MALFORMATIONS 14A (BILATERAL FRONTOPARIETAL). Identifiers: Orphanet 101070, MedGen C1847352, MONDO:0011738, OMIM 606854.

Submissions (2):

Natera, Inc.
Classification: Likely pathogenic for Bilateral frontoparietal polymicrogyria. Last evaluated: 2025-06-01. Review status: criteria provided, single submitter. Criteria: Natera Variant Classification Schema (03/2026). Collection method: clinical testing. Allele origin: germline.
Comment: The c.860_861del variant in ADGRG1 is a frameshift variant predicted to shift the reading frame beginning at codon 287 and leads to a stop codon 23 codons downstream. This variant is expected to result in nonsense mediated decay, truncation, or a dysfunctional protein product. This variant is rare in the general population with a frequency below the threshold expected for the associated phenotype(s). Given the available evidence, this variant is classified as Likely Pathogenic.

Labcorp Genetics (formerly Invitae), Labcorp
Classification: Pathogenic. Last evaluated: 2022-09-15. Review status: criteria provided, single submitter. Criteria: Invitae Variant Classification Sherloc (09022015). Collection method: clinical testing. Allele origin: germline.
Comment: This variant has not been reported in the literature in individuals affected with ADGRG1-related conditions. For these reasons, this variant has been classified as Pathogenic. This variant is present in population databases (rs778876865, gnomAD 0.0009%). This sequence change creates a premature translational stop signal (p.Arg287Thrfs*23) in the ADGRG1 gene. It is expected to result in an absent or disrupted protein product. Loss-of-function variants in ADGRG1 are known to be pathogenic (PMID: 15044805, 20929962).

Literature cited by the submitters: PubMed 15044805 (cited by Labcorp Genetics (formerly Invitae), Labcorp); PubMed 20929962 (cited by Labcorp Genetics (formerly Invitae), Labcorp).